The following is an entry in ClinVar:

NM_005876.5(SPEG):c.6064C>G (p.Arg2022Gly)

Genes: ASIC4-AS1 (ASIC4 antisense RNA 1; minus strand), SPEG (striated muscle enriched protein kinase; plus strand). Cytogenetic location: 2q35.
Variant type: single nucleotide variant.
Coding change: c.6064C>G on transcript NM_005876.5 (MANE Select); coding-DNA position 6064, C replaced by G.
Protein change: p.Arg2022Gly; replaces arginine 2022 with glycine.
Molecular consequence: missense variant.
Genome position (GRCh38, 1-based): chr2:219,483,527, C>G. VCF-style: chr2-219483527-C-G. GRCh37 (hg19) VCF-style: chr2-220348249-C-G.
Other names: c.6064C>G (NM_005876.4); short protein forms R2022G.
Identifiers: ClinVar variation 1936310 (VCV001936310.6), dbSNP rs1010604395, ClinGen allele CA65990482.
Genomic context (GRCh38, chr2:219,483,527, plus strand): 5'-GGGGCTAGCCCCAGGCGGGGAGAGCTCCGCAGGGGCAGCTCGGCTGAGAGCGCCCTGCCC[C>G]GGGCCGGGCCGCGGGAGCTGGGCCGGGGCCTGCACAAGGCGGCGTCTGTGGAGCTGCCGC-3'
Protein context (NP_005867.3, residues 2012-2032): RGSSAESALP[Arg2022Gly]AGPRELGRGL

ClinVar aggregate classification (germline): Uncertain significance. Review status: criteria provided, multiple submitters, no conflicts (2 of 4 stars). 2 submissions from 2 submitters: Uncertain significance (2). Last evaluated 2025-03-31.

Conditions:
Inborn genetic diseases. Identifiers: MedGen C0950123, MeSH D030342.

Allele frequency attached by ClinVar (database versions not stated): gnomAD 0.00001.
gnomAD v4.1: 16 of 1,405,630 alleles (0.0011%); highest among the groups gnomAD compares: Non-Finnish European, 0.0014%; no homozygotes.

Submissions (2):

Ambry Genetics
Classification: Uncertain significance for Inborn genetic diseases. Last evaluated: 2025-03-31. Review status: criteria provided, single submitter. Criteria: Ambry Variant Classification Scheme 2023. Collection method: clinical testing. Allele origin: germline.

Labcorp Genetics (formerly Invitae), Labcorp
Classification: Uncertain significance. Last evaluated: 2022-11-25. Review status: criteria provided, single submitter. Criteria: Invitae Variant Classification Sherloc (09022015). Collection method: clinical testing. Allele origin: germline.
Comment: In summary, the available evidence is currently insufficient to determine the role of this variant in disease. Therefore, it has been classified as a Variant of Uncertain Significance. Algorithms developed to predict the effect of missense changes on protein structure and function output the following: SIFT: "Tolerated"; PolyPhen-2: "Benign"; Align-GVGD: "Class C0". The glycine amino acid residue is found in multiple mammalian species, which suggests that this missense change does not adversely affect protein function. This variant has not been reported in the literature in individuals affected with SPEG-related conditions. This variant is not present in population databases (gnomAD no frequency). This sequence change replaces arginine, which is basic and polar, with glycine, which is neutral and non-polar, at codon 2022 of the SPEG protein (p.Arg2022Gly).